The following is an entry in ClinVar:

ClinVar aggregate classification (germline): Uncertain significance. Review status: criteria provided, multiple submitters, no conflicts (2 of 4 stars). 2 submissions from 2 submitters: Uncertain significance (2). Last evaluated 2025-03-11.

Allele frequency attached by ClinVar (database versions not stated): gnomAD exomes below 0.00001; gnomAD 0.00003.
gnomAD v4.1: 6 of 1,594,054 alleles (0.00038%); highest among the groups gnomAD compares: African/African-American, 0.0027%; no homozygotes.

Submissions (2):

GeneDx
Classification: Uncertain significance. Last evaluated: 2025-03-11. Review status: criteria provided, single submitter. Criteria: GeneDx Variant Classification Process June 2021. Collection method: clinical testing. Allele origin: germline. Affected: yes.
Comment: Intronic variant directly or indirectly altering the +5 splice site in a gene for which loss of function is a known mechanism of disease, and splice predictors support a deleterious effect; Has not been previously published as pathogenic or benign to our knowledge

Labcorp Genetics (formerly Invitae), Labcorp
Classification: Uncertain significance. Last evaluated: 2022-07-03. Review status: criteria provided, single submitter. Criteria: Invitae Variant Classification Sherloc (09022015). Collection method: clinical testing. Allele origin: germline.
Comment: This sequence change falls in intron 16 of the MME gene. It does not directly change the encoded amino acid sequence of the MME protein. It affects a nucleotide within the consensus splice site. This variant is present in population databases (rs201612792, gnomAD 0.01%). This variant has not been reported in the literature in individuals affected with MME-related conditions. ClinVar contains an entry for this variant (Variation ID: 1194421). Variants that disrupt the consensus splice site are a relatively common cause of aberrant splicing (PMID: 17576681, 9536098). Algorithms developed to predict the effect of sequence changes on RNA splicing suggest that this variant may disrupt the consensus splice site. In summary, the available evidence is currently insufficient to determine the role of this variant in disease. Therefore, it has been classified as a Variant of Uncertain Significance.

Literature cited by the submitters: PubMed 17576681 (cited by Labcorp Genetics (formerly Invitae), Labcorp); PubMed 9536098 (cited by Labcorp Genetics (formerly Invitae), Labcorp).

NM_007289.4(MME):c.1601+5G>A

Gene: MME (membrane metalloendopeptidase; plus strand). Cytogenetic location: 3q25.2.
Variant type: single nucleotide variant.
Coding change: c.1601+5G>A on transcript NM_007289.4 (MANE Select); 5 bases into the intron after coding-DNA position 1601, G replaced by A.
Molecular consequence: intron variant.
Genome position (GRCh38, 1-based): chr3:155,148,658, G>A. VCF-style: chr3-155148658-G-A. GRCh37 (hg19) VCF-style: chr3-154866447-G-A.
Other names: c.1601+5G>A (NM_001354642.2, NM_000902.5, NM_007287.4 and 2 more transcripts).
Identifiers: ClinVar variation 1194421 (VCV001194421.7), dbSNP rs201612792, ClinGen allele CA85833960.